The following is an entry in ClinVar:

NM_003922.4(HERC1):c.5674+5T>C

Gene: HERC1 (HECT and RLD domain containing E3 ubiquitin protein ligase family member 1; minus strand). Cytogenetic location: 15q22.31.
Variant type: single nucleotide variant.
Coding change: c.5674+5T>C on transcript NM_003922.4 (MANE Select); 5 bases into the intron after coding-DNA position 5674, T replaced by C.
Molecular consequence: intron variant.
Genome position (GRCh38, 1-based): chr15:63,693,959, A>G on the plus strand (T>C on the coding strand, the complement: HERC1 is on the minus strand). VCF-style: chr15-63693959-A-G. GRCh37 (hg19) VCF-style: chr15-63986158-A-G.
Identifiers: ClinVar variation 1924743 (VCV001924743.5), dbSNP rs1468274148, ClinGen allele CA714792251.

ClinVar aggregate classification (germline): Uncertain significance (1 of 4 stars; one submission).

Allele frequency attached by ClinVar (database versions not stated): TOPMed below 0.00001.
gnomAD v4.1: 1 of 1,550,266 alleles (0.000065%); highest among the groups gnomAD compares: South Asian, 0.0012%; no homozygotes.

Submission:

Labcorp Genetics (formerly Invitae), Labcorp
Classification: Uncertain significance. Last evaluated: 2022-02-03. Review status: criteria provided, single submitter. Criteria: Invitae Variant Classification Sherloc (09022015). Collection method: clinical testing. Allele origin: germline.
Comment: In summary, the available evidence is currently insufficient to determine the role of this variant in disease. Therefore, it has been classified as a Variant of Uncertain Significance. Variants that disrupt the consensus splice site are a relatively common cause of aberrant splicing (PMID: 17576681, 9536098). Algorithms developed to predict the effect of sequence changes on RNA splicing suggest that this variant is not likely to affect RNA splicing. This variant has not been reported in the literature in individuals affected with HERC1-related conditions. This variant is not present in population databases (gnomAD no frequency). This sequence change falls in intron 30 of the HERC1 gene. It does not directly change the encoded amino acid sequence of the HERC1 protein. It affects a nucleotide within the consensus splice site.

Literature cited by the submitters: PubMed 17576681; PubMed 9536098.